The following is an entry in ClinVar:

ClinVar aggregate classification (germline): Likely benign. Review status: criteria provided, single submitter (1 of 4 stars). 2 submissions from 2 submitters: Likely benign (1). 1 of the submissions does not count toward it. Last evaluated 2026-06-01.

Conditions:
HERC2-related disorder. Also called: HERC2-related condition.

Submissions (2):

CeGaT Center for Human Genetics Tuebingen
Classification: Likely benign. Last evaluated: 2026-06-01. Review status: criteria provided, single submitter. Criteria: CeGaT Center For Human Genetics Tuebingen Variant Classification Criteria Version 2. Collection method: clinical testing. Allele origin: germline. Affected: yes. Observed: 5 variant alleles.
Comment: HERC2: BP4, BS1

PreventionGenetics, part of Exact Sciences
Classification: Likely benign for HERC2-related condition. Last evaluated: 2024-08-11. Review status: no assertion criteria provided. Collection method: clinical testing. Allele origin: germline. Not counted in ClinVar's aggregate classification.
Comment: This variant is classified as likely benign based on ACMG/AMP sequence variant interpretation guidelines (Richards et al. 2015 PMID: 25741868, with internal and published modifications).

NM_004667.6(HERC2):c.9832-8G>A

Gene: HERC2 (HECT and RLD domain containing E3 ubiquitin protein ligase 2; minus strand). Cytogenetic location: 15q13.1.
Variant type: single nucleotide variant.
Coding change: c.9832-8G>A on transcript NM_004667.6 (MANE Select); 8 bases into the intron before coding-DNA position 9832, G replaced by A.
Molecular consequence: intron variant.
Genome position (GRCh38, 1-based): chr15:28,174,628, C>T on the plus strand (G>A on the coding strand, the complement: HERC2 is on the minus strand). VCF-style: chr15-28174628-C-T. GRCh37 (hg19) VCF-style: chr15-28419774-C-T.
Identifiers: ClinVar variation 3358350 (VCV003358350.9).